The following is an entry in ClinVar:

ClinVar aggregate classification (germline): Likely benign. Review status: criteria provided, multiple submitters, no conflicts (2 of 4 stars). 3 submissions from 3 submitters: Likely benign (3). Last evaluated 2025-03-17.

Allele frequency attached by ClinVar (database versions not stated): gnomAD exomes 0.00001; gnomAD 0.00002; TOPMed 0.00002; ExAC 0.00006.
gnomAD v4.1: 30 of 1,613,876 alleles (0.0019%); highest among the groups gnomAD compares: South Asian, 0.0055%; no homozygotes.

Submissions (3):

Labcorp Genetics (formerly Invitae), Labcorp
Classification: Likely benign. Last evaluated: 2025-03-17. Review status: criteria provided, single submitter. Criteria: Invitae Variant Classification Sherloc (09022015). Collection method: clinical testing. Allele origin: germline.

Blueprint Genetics
Classification: Likely benign. Last evaluated: 2024-07-24. Review status: criteria provided, single submitter. Criteria: ACMG Guidelines, 2015. Collection method: clinical testing. Allele origin: germline.

CeGaT Center for Human Genetics Tuebingen
Classification: Likely benign. Last evaluated: 2023-08-01. Review status: criteria provided, single submitter. Criteria: CeGaT Center For Human Genetics Tuebingen Variant Classification Criteria Version 2. Collection method: clinical testing. Allele origin: germline. Affected: yes. Observed: 1 variant allele.
Comment: SON: BP4, BP7

NM_138927.4(SON):c.3318G>A (p.Ser1106=)

Gene: SON (SON DNA and RNA binding protein; plus strand). Cytogenetic location: 21q22.11.
Variant type: single nucleotide variant.
Coding change: c.3318G>A on transcript NM_138927.4 (MANE Select); coding-DNA position 3318, G replaced by A.
Protein change: p.Ser1106=; no amino-acid change (serine 1106 retained).
Molecular consequence: synonymous variant. On other transcripts: non-coding transcript variant (1), intron variant (1).
Genome position (GRCh38, 1-based): chr21:33,552,549, G>A. VCF-style: chr21-33552549-G-A. GRCh37 (hg19) VCF-style: chr21-34924855-G-A.
Other names: c.3318G>A, p.Ser1106= (NM_001291411.2, NM_001412133.1, NM_032195.3 and 2 more transcripts); c.245-4607G>A (NM_001291412.3).
Identifiers: ClinVar variation 2417538 (VCV002417538.33), dbSNP rs201429291, ClinGen allele CA10009263.